The following is an entry in ClinVar:

NC_000013.10:g.(?_26273291)_(26349117_?)del

Gene: ATP8A2 (ATPase phospholipid transporting 8A2). Cytogenetic location: 13q12.13.
Variant type: Deletion.
Identifiers: ClinVar variation 1412044 (VCV001412044.6).

ClinVar aggregate classification (germline): Uncertain significance (1 of 4 stars; one submission).

Submission:

Labcorp Genetics (formerly Invitae), Labcorp
Classification: Uncertain significance. Last evaluated: 2021-01-16. Review status: criteria provided, single submitter. Criteria: Invitae Variant Classification Sherloc (09022015). Collection method: clinical testing. Allele origin: germline.
Comment: This variant is a gross deletion of the genomic region encompassing exon(s) 25-27 of the ATP8A2 gene. This variant would be expected to be in-frame, preserving the integrity of the reading frame. In summary, the available evidence is currently insufficient to determine the role of this variant in disease. Therefore, it has been classified as a Variant of Uncertain Significance. Experimental studies and prediction algorithms are not available or were not evaluated, and the functional significance of this variant is currently unknown. This variant has not been reported in the literature in individuals with ATP8A2-related conditions.